The following is an entry in ClinVar:

NM_001270974.2(HYDIN):c.7689C>T (p.Asp2563=)

Gene: HYDIN (HYDIN axonemal central pair apparatus protein; minus strand). Cytogenetic location: 16q22.2.
Variant type: single nucleotide variant.
Coding change: c.7689C>T on transcript NM_001270974.2 (MANE Select); coding-DNA position 7689, C replaced by T.
Protein change: p.Asp2563=; no amino-acid change (aspartic acid 2563 retained).
Molecular consequence: synonymous variant.
Genome position (GRCh38, 1-based): chr16:70,920,687, G>A on the plus strand (C>T on the coding strand, the complement: HYDIN is on the minus strand). VCF-style: chr16-70920687-G-A. GRCh37 (hg19) VCF-style: chr16-70954590-G-A.
Identifiers: ClinVar variation 2646744 (VCV002646744.24), dbSNP rs2507039909, ClinGen allele CA496405668.

ClinVar aggregate classification (germline): Uncertain significance (1 of 4 stars; one submission).

Allele frequency attached by ClinVar (database versions not stated): gnomAD exomes below 0.00001.
gnomAD v4.1: 2 of 1,612,060 alleles (0.00012%); highest among the groups gnomAD compares: East Asian, 0.0022%; no homozygotes.

Submission:

CeGaT Center for Human Genetics Tuebingen
Classification: Uncertain significance. Last evaluated: 2022-06-01. Review status: criteria provided, single submitter. Criteria: CeGaT Center For Human Genetics Tuebingen Variant Classification Criteria Version 2. Collection method: clinical testing. Allele origin: germline. Affected: yes. Observed: 1 variant allele.
Comment: HYDIN: PM2, BP4, BP7